The following is an entry in ClinVar:

ClinVar aggregate classification (germline): Pathogenic. Review status: criteria provided, multiple submitters, no conflicts (2 of 4 stars). 2 submissions from 2 submitters: Pathogenic (2). Last evaluated 2025-01-24.

Conditions:
Tumor predisposition syndrome 3 (TPDS3). Also called: Melanoma, cutaneous malignant, susceptibility to, 10; Glioma susceptibility 9; LONG TELOMERE SYNDROME, POT1-RELATED; POT1 Tumor Predisposition. Identifiers: Orphanet 618, MedGen C4014476, MONDO:0014368, OMIM 615848.
Hereditary cancer-predisposing syndrome. Also called: Tumor predisposition; Neoplastic Syndromes, Hereditary; Hereditary Cancer Syndrome; Hereditary neoplastic syndrome. Identifiers: Orphanet 140162, MedGen C0027672, MeSH D009386, MONDO:0015356.

Submissions (2):

Ambry Genetics
Classification: Pathogenic for Hereditary cancer-predisposing syndrome. Last evaluated: 2025-01-24. Review status: criteria provided, single submitter. Criteria: Ambry Variant Classification Scheme 2023. Collection method: clinical testing. Allele origin: germline.
Comment: The p.Q539* pathogenic mutation (also known as c.1615C>T), located in coding exon 13 of the POT1 gene, results from a C to T substitution at nucleotide position 1615. This changes the amino acid from a glutamine to a stop codon within coding exon 13. This variant is considered to be rare based on population cohorts in the Genome Aggregation Database (gnomAD). This alteration is expected to result in loss of function by premature protein truncation or nonsense-mediated mRNA decay. As such, this alteration is interpreted as a disease-causing mutation.

Labcorp Genetics (formerly Invitae), Labcorp
Classification: Pathogenic for Tumor predisposition syndrome 3. Last evaluated: 2023-04-11. Review status: criteria provided, single submitter. Criteria: Invitae Variant Classification Sherloc (09022015). Collection method: clinical testing. Allele origin: germline.
Comment: For these reasons, this variant has been classified as Pathogenic. Algorithms developed to predict the effect of sequence changes on RNA splicing suggest that this variant may create or strengthen a splice site. ClinVar contains an entry for this variant (Variation ID: 1395307). This variant has not been reported in the literature in individuals affected with POT1-related conditions. This variant is not present in population databases (gnomAD no frequency). This sequence change creates a premature translational stop signal (p.Gln539*) in the POT1 gene. It is expected to result in an absent or disrupted protein product. Loss-of-function variants in POT1 are known to be pathogenic (PMID: 32155570).

Literature cited by the submitters: PubMed 32155570 (cited by Labcorp Genetics (formerly Invitae), Labcorp).

NM_015450.3(POT1):c.1615C>T (p.Gln539Ter)

Gene: POT1 (protection of telomeres 1; minus strand). Cytogenetic location: 7q31.33.
Variant type: single nucleotide variant.
Coding change: c.1615C>T on transcript NM_015450.3 (MANE Select); coding-DNA position 1615, C replaced by T.
Protein change: p.Gln539Ter; replaces glutamine 539 with a stop codon.
Molecular consequence: nonsense. On other transcripts: non-coding transcript variant (3).
Genome position (GRCh38, 1-based): chr7:124,827,285, G>A on the plus strand (C>T on the coding strand, the complement: POT1 is on the minus strand). VCF-style: chr7-124827285-G-A. GRCh37 (hg19) VCF-style: chr7-124467339-G-A.
Other names: c.1222C>T, p.Gln408Ter (NM_001042594.2); short protein forms Q408*, Q539*.
Identifiers: ClinVar variation 1395307 (VCV001395307.9), dbSNP rs2116415082, ClinGen allele CA369063202.